The following is an entry in ClinVar:

ClinVar aggregate classification (germline): Uncertain significance. Review status: criteria provided, multiple submitters, no conflicts (2 of 4 stars). 2 submissions from 2 submitters: Uncertain significance (2). Last evaluated 2025-04-01.

Conditions:
Inborn genetic diseases. Identifiers: MedGen C0950123, MeSH D030342.

Allele frequency attached by ClinVar (database versions not stated): ExAC 0.00003; gnomAD 0.00002; TOPMed 0.00002; gnomAD exomes 0.00004 and 0.00006.
gnomAD v4.1: 89 of 1,613,668 alleles (0.0055%); highest among the groups gnomAD compares: Non-Finnish European, 0.0069%; no homozygotes.

Submissions (2):

Ambry Genetics
Classification: Uncertain significance for Inborn genetic diseases. Last evaluated: 2025-04-01. Review status: criteria provided, single submitter. Criteria: Ambry Variant Classification Scheme 2023. Collection method: clinical testing. Allele origin: germline.

GeneDx
Classification: Uncertain significance. Last evaluated: 2019-10-23. Review status: criteria provided, single submitter. Criteria: GeneDx Variant Classification Process June 2021. Collection method: clinical testing. Allele origin: germline. Affected: yes.
Comment: Not observed at a significant frequency in large population cohorts (Lek et al., 2016); In silico analysis, which includes protein predictors and evolutionary conservation, supports that this variant does not alter protein structure/function; Has not been previously published as pathogenic or benign to our knowledge

NM_206965.2(FTCD):c.1550G>A (p.Arg517His)

Gene: FTCD (formimidoyltransferase cyclodeaminase; minus strand). Cytogenetic location: 21q22.3.
Variant type: single nucleotide variant.
Coding change: c.1550G>A on transcript NM_206965.2 (MANE Select); coding-DNA position 1550, G replaced by A.
Protein change: p.Arg517His; replaces arginine 517 with histidine.
Molecular consequence: missense variant. On other transcripts: intron variant (1).
Genome position (GRCh38, 1-based): chr21:46,137,063, C>T on the plus strand (G>A on the coding strand, the complement: FTCD is on the minus strand). VCF-style: chr21-46137063-C-T. GRCh37 (hg19) VCF-style: chr21-47556977-C-T.
Other names: c.1550G>A, p.Arg517His (NM_006657.3); c.1540-10G>A (NM_001320412.2); short protein forms R517H.
Identifiers: ClinVar variation 1309579 (VCV001309579.3), dbSNP rs764944907, ClinGen allele CA10073326.